The following is an entry in ClinVar:

ClinVar aggregate classification (germline): Uncertain significance (1 of 4 stars; one submission).

Conditions:
SCN1A-related disorder. Also called: SCN1A-related conditions; SCN1A-related condition; SCN1A-related disorders.

Submission:

PreventionGenetics, part of Exact Sciences
Classification: Uncertain significance for SCN1A-related condition. Last evaluated: 2026-04-06. Review status: criteria provided, single submitter. Criteria: ACMG Guidelines, 2015. Collection method: clinical testing. Allele origin: germline.
Comment: The SCN1A c.2402C>G variant is predicted to result in the amino acid substitution p.Thr801Arg. To our knowledge, this variant has not been reported in the literature or in a large population database (gnomAD), indicating this variant is rare. At this time, the clinical significance of this variant is uncertain due to the absence of conclusive functional and genetic evidence.

NM_001165963.4(SCN1A):c.2402C>G (p.Thr801Arg)

Gene: SCN1A (sodium voltage-gated channel alpha subunit 1; minus strand). Cytogenetic location: 2q24.3.
Variant type: single nucleotide variant.
Coding change: c.2402C>G on transcript NM_001165963.4 (MANE Select); coding-DNA position 2402, C replaced by G.
Protein change: p.Thr801Arg; replaces threonine 801 with arginine.
Molecular consequence: missense variant. On other transcripts: 5 prime UTR variant (1), non-coding transcript variant (1).
Genome position (GRCh38, 1-based): chr2:166,041,244, G>C on the plus strand (C>G on the coding strand, the complement: SCN1A is on the minus strand). VCF-style: chr2-166041244-G-C. GRCh37 (hg19) VCF-style: chr2-166897754-G-C.
Other names: c.2318C>G, p.Thr773Arg (NM_001165964.3, NM_001353957.2, NM_001353958.2); c.2402C>G, p.Thr801Arg (NM_001202435.3, NM_001353948.2); c.2369C>G, p.Thr790Arg (NM_001353949.2, NM_001353950.2, NM_001353951.2 and 2 more transcripts); c.2366C>G, p.Thr789Arg (NM_001353954.2, NM_001353955.2); c.2315C>G, p.Thr772Arg (NM_001353960.2); c.-57C>G (NM_001353961.2); short protein forms T801R, T773R, T790R, T772R, T789R.
Identifiers: ClinVar variation 4995372 (VCV004995372.1).